The following is an entry in ClinVar:

NM_138773.4(SLC25A46):c.124T>G (p.Trp42Gly)

Gene: SLC25A46 (solute carrier family 25 member 46; plus strand). Cytogenetic location: 5q22.1.
Variant type: single nucleotide variant.
Coding change: c.124T>G on transcript NM_138773.4 (MANE Select); coding-DNA position 124, T replaced by G.
Protein change: p.Trp42Gly; replaces tryptophan 42 with glycine.
Molecular consequence: missense variant. On other transcripts: non-coding transcript variant (1), intron variant (1).
Genome position (GRCh38, 1-based): chr5:110,739,243, T>G. VCF-style: chr5-110739243-T-G. GRCh37 (hg19) VCF-style: chr5-110074944-T-G.
Other names: c.124T>G, p.Trp42Gly (NM_001303249.3); c.10+996T>G (NM_001303250.3); short protein forms W42G.
Identifiers: ClinVar variation 860991 (VCV000860991.11), dbSNP rs1167256450, ClinGen allele CA360693195.

ClinVar aggregate classification (germline): Uncertain significance. Review status: criteria provided, multiple submitters, no conflicts (2 of 4 stars). 2 submissions from 2 submitters: Uncertain significance (2). Last evaluated 2023-12-27.

Conditions:
Neuropathy, hereditary motor and sensory, type 6B (HMSN6B). Also called: Neuropathy, hereditary motor and sensory, type VIB; NEUROPATHY, HEREDITARY MOTOR AND SENSORY, TYPE VIB, WITH OPTIC ATROPHY; HMSN VIB; CHARCOT-MARIE-TOOTH DISEASE, TYPE 6B. Identifiers: MedGen C4225302, MONDO:0014671, OMIM 616505.

Allele frequency attached by ClinVar (database versions not stated): TOPMed below 0.00001; gnomAD 0.00001.
gnomAD v4.1: 2 of 1,582,470 alleles (0.00013%); highest among the groups gnomAD compares: Non-Finnish European, 0.00017%; no homozygotes.

Submissions (2):

GeneDx
Classification: Uncertain significance. Last evaluated: 2023-12-27. Review status: criteria provided, single submitter. Criteria: GeneDx Variant Classification Process June 2021. Collection method: clinical testing. Allele origin: germline. Affected: yes.
Comment: Not observed at significant frequency in large population cohorts (gnomAD); In silico analysis supports that this missense variant has a deleterious effect on protein structure/function; Has not been previously published as pathogenic or benign to our knowledge

Labcorp Genetics (formerly Invitae), Labcorp
Classification: Uncertain significance for Neuropathy, hereditary motor and sensory, type 6B. Last evaluated: 2019-11-20. Review status: criteria provided, single submitter. Criteria: Invitae Variant Classification Sherloc (09022015). Collection method: clinical testing. Allele origin: germline.
Comment: In summary, the available evidence is currently insufficient to determine the role of this variant in disease. Therefore, it has been classified as a Variant of Uncertain Significance. Algorithms developed to predict the effect of missense changes on protein structure and function are either unavailable or do not agree on the potential impact of this missense change (SIFT: "Deleterious"; PolyPhen-2: "Probably Damaging"; Align-GVGD: "Class C0"). This variant has not been reported in the literature in individuals with SLC25A46-related conditions. This variant is not present in population databases (ExAC no frequency). This sequence change replaces tryptophan with glycine at codon 42 of the SLC25A46 protein (p.Trp42Gly). The tryptophan residue is moderately conserved and there is a large physicochemical difference between tryptophan and glycine.